The following is an entry in ClinVar:

ClinVar aggregate classification (germline): Pathogenic/Likely pathogenic. Review status: criteria provided, multiple submitters, no conflicts (2 of 4 stars). 5 submissions from 5 submitters: Pathogenic (4); Likely pathogenic (1). Last evaluated 2025-04-28.

Conditions:
CFTR-related disorder (CFTR-RD). Also called: CFTR-related disorders; CFTR-related condition. Identifiers: MedGen C5924204, MONDO:7770004.
Cystic fibrosis (CF). Also called: MUCOVISCIDOSIS. Identifiers: Orphanet 586, MedGen C0010674, MONDO:0009061, OMIM 219700. Disease mechanism: loss of function.

Submissions (5):

Natera, Inc.
Classification: Likely pathogenic for CFTR-related disorders. Last evaluated: 2025-04-28. Review status: criteria provided, single submitter. Criteria: Natera Variant Classification Schema (03/2026). Collection method: clinical testing. Allele origin: germline.
Comment: The c.580G>T variant in CFTR is a nonsense variant predicted to introduce a stop codon at amino acid 194. This variant is expected to result in nonsense mediated decay, truncation, or a dysfunctional protein product. This variant is rare in the general population with a frequency below the threshold expected for the associated phenotype(s). Given the available evidence, this variant is classified as Likely Pathogenic.

Labcorp Genetics (formerly Invitae), Labcorp
Classification: Pathogenic for Cystic fibrosis. Last evaluated: 2025-04-25. Review status: criteria provided, single submitter. Criteria: Invitae Variant Classification Sherloc (09022015). Collection method: clinical testing. Allele origin: germline.
Comment: This sequence change creates a premature translational stop signal (p.Gly194*) in the CFTR gene. It is expected to result in an absent or disrupted protein product. Loss-of-function variants in CFTR are known to be pathogenic (PMID: 1695717, 7691345, 9725922). This variant is not present in population databases (gnomAD no frequency). This variant has not been reported in the literature in individuals affected with CFTR-related conditions. ClinVar contains an entry for this variant (Variation ID: 1330401). Algorithms developed to predict the effect of sequence changes on RNA splicing suggest that this variant may disrupt the consensus splice site. For these reasons, this variant has been classified as Pathogenic.

Women's Health and Genetics/Laboratory Corporation of America, LabCorp
Classification: Pathogenic for Cystic fibrosis. Last evaluated: 2023-09-28. Review status: criteria provided, single submitter. Criteria: LabCorp Variant Classification Summary - May 2015. Collection method: clinical testing. Allele origin: germline.
Comment: Variant summary: CFTR c.580G>T (p.Gly194X) results in a premature termination codon, predicted to cause absence of the protein due to nonsense mediated decay, a commonly known mechanism for disease. The variant was absent in 251416 control chromosomes (gnomAD). c.580G>T has been reported in the literature in at least one individual affected with Cystic Fibrosis (Zahav_2023). These data suggest the variant is likely associated with disease. To our knowledge, no experimental evidence demonstrating an impact on protein function has been reported. The following publication has been ascertained in the context of this evaluation (PMID: 35934641). Two submitters have cited clinical-significance assessments for this variant to ClinVar after 2014. Both submitters classified the variant as pathogenic. Based on the evidence outlined above, the variant was classified as pathogenic.

ARUP Laboratories, Molecular Genetics and Genomics, ARUP Laboratories
Classification: Pathogenic. Last evaluated: 2020-10-07. Review status: criteria provided, single submitter. Criteria: ARUP Molecular Germline Variant Investigation Process 2021. Collection method: clinical testing. Allele origin: germline.
Comment: The CFTR c.580G>T; p.Gly194Ter variant, to our knowledge, is not reported in the medical literature. This variant is also absent from general population databases (Exome Variant Server, Genome Aggregation Database), indicating it is not a common polymorphism. This variant induces an early termination codon and is predicted to result in a truncated protein or mRNA subject to nonsense-mediated decay. CFTR loss-of-function is an established mechanism of disease, and truncating variants downstream of p.Gly194Ter have been reported in individuals with cystic fibrosis and are considered to be pathogenic (CFTR2 database). Based on available information, the p.Gly194Ter variant is considered to be pathogenic. References: CFTR2 database

Ambry Genetics
Classification: Pathogenic for Cystic fibrosis. Last evaluated: 2015-09-15. Review status: criteria provided, single submitter. Criteria: Ambry Variant Classification Scheme 2023. Collection method: clinical testing. Allele origin: germline.
Comment: The p.G194* variant (also known as c.580G>T), located in coding exon 6 of the CFTR gene, results from a G to T substitution at nucleotide position 580. This changes the amino acid from a glycine to a stop codon within coding exon 6. Since premature stop codons are typically deleterious in nature, this alteration is interpreted as a disease-causing mutation (ACMG Recommendations for Standards for Interpretation and Reporting of Sequence Variations. Revision 2007. Genet Med. 2008;10:294).

Literature cited by the submitters: PubMed 1695717 (cited by Labcorp Genetics (formerly Invitae), Labcorp); PubMed 7691345 (cited by Labcorp Genetics (formerly Invitae), Labcorp); PubMed 9725922 (cited by Labcorp Genetics (formerly Invitae), Labcorp); PubMed 35934641 (cited by Women's Health and Genetics/Laboratory Corporation of America, LabCorp).

NM_000492.4(CFTR):c.580G>T (p.Gly194Ter)

Gene: CFTR (CF transmembrane conductance regulator; plus strand). Cytogenetic location: 7q31.2.
Variant type: single nucleotide variant.
Coding change: c.580G>T on transcript NM_000492.4 (MANE Select); coding-DNA position 580, G replaced by T.
Protein change: p.Gly194Ter; replaces glycine 194 with a stop codon.
Molecular consequence: nonsense.
Genome position (GRCh38, 1-based): chr7:117,535,248, G>T. VCF-style: chr7-117535248-G-T. GRCh37 (hg19) VCF-style: chr7-117175302-G-T.
Other names: short protein forms G194*.
Identifiers: ClinVar variation 1330401 (VCV001330401.12), dbSNP rs376008630, ClinGen allele CA368976699.